The following is an entry in ClinVar:

NM_032043.3(BRIP1):c.3340C>T (p.Gln1114Ter)

Gene: BRIP1 (BRCA1 interacting DNA helicase 1; minus strand). Cytogenetic location: 17q23.2.
Variant type: single nucleotide variant.
Coding change: c.3340C>T on transcript NM_032043.3 (MANE Select); coding-DNA position 3340, C replaced by T.
Protein change: p.Gln1114Ter; replaces glutamine 1114 with a stop codon.
Molecular consequence: nonsense.
Genome position (GRCh38, 1-based): chr17:61,683,706, G>A on the plus strand (C>T on the coding strand, the complement: BRIP1 is on the minus strand). VCF-style: chr17-61683706-G-A. GRCh37 (hg19) VCF-style: chr17-59761067-G-A.
Other names: short protein forms Q1114*.
Identifiers: ClinVar variation 545997 (VCV000545997.6), dbSNP rs1555572681, ClinGen allele CA400478943.

ClinVar aggregate classification (germline): Uncertain significance. Review status: criteria provided, multiple submitters, no conflicts (2 of 4 stars). 2 submissions from 2 submitters: Uncertain significance (2). Last evaluated 2025-07-15.

Conditions:
Fanconi anemia complementation group J. Also called: BRIP1-Related Fanconi Anemia. Identifiers: Orphanet 84, MedGen C1836860, MONDO:0012187, OMIM 609054.
Familial cancer of breast. Also called: BREAST CANCER, FAMILIAL; Hereditary breast cancer; hereditary breast carcinoma. Identifiers: Orphanet 227535, MedGen C0346153, MONDO:0016419, OMIM 114480. Disease mechanism: loss of function.

Allele frequency attached by ClinVar (database versions not stated): gnomAD exomes below 0.00001.
gnomAD v4.1: 1 of 1,613,942 alleles (0.000062%); highest among the groups gnomAD compares: Non-Finnish European, 0.000085%; no homozygotes.

Submissions (2):

Labcorp Genetics (formerly Invitae), Labcorp
Classification: Uncertain significance for Familial cancer of breast; Fanconi anemia complementation group J. Last evaluated: 2025-07-15. Review status: criteria provided, single submitter. Criteria: Invitae Variant Classification Sherloc (09022015). Collection method: clinical testing. Allele origin: germline.
Comment: This sequence change creates a premature translational stop signal (p.Gln1114*) in the BRIP1 gene. While this is not anticipated to result in nonsense mediated decay, it is expected to disrupt the last 136 amino acid(s) of the BRIP1 protein. This variant is not present in population databases (gnomAD no frequency). This variant has not been reported in the literature in individuals affected with BRIP1-related conditions. ClinVar contains an entry for this variant (Variation ID: 545997). In summary, the available evidence is currently insufficient to determine the role of this variant in disease. Therefore, it has been classified as a Variant of Uncertain Significance.

GeneDx
Classification: Uncertain significance. Last evaluated: 2017-06-23. Review status: criteria provided, single submitter. Criteria: GeneDx Variant Classification (06012015). Collection method: clinical testing. Allele origin: germline. Affected: yes.
Comment: This variant is denoted BRIP1 c.3340C>T at the cDNA level and p.Gln1114Ter (Q1114X) at the protein level. The substitution creates a nonsense variant, which changes a Glutamine to a premature stop codon (CAG>TAG). This variant has not, to our knowledge, been reported in the literature. Due to the position of the variant, nonsense mediated decay is not expected to occur, but it might cause loss of normal protein function through protein truncation. BRIP1 Gln1114Ter was not observed in large population cohorts (NHLBI Exome Sequencing Project, The 1000 Genomes Consortium 2015, Lek 2016). Based on currently available information, we consider BRIP1 Gln1114Ter to be a variant of uncertain significance.